The following is an entry in ClinVar:

NM_001211.6(BUB1B):c.3031G>T (p.Val1011Phe)

Genes: BUB1B (BUB1 mitotic checkpoint serine/threonine kinase B; plus strand), BUB1B-PAK6 (BUB1B-PAK6 readthrough; plus strand). Cytogenetic location: 15q15.1.
Variant type: single nucleotide variant.
Coding change: c.3031G>T on transcript NM_001211.6 (MANE Select); coding-DNA position 3031, G replaced by T.
Protein change: p.Val1011Phe; replaces valine 1011 with phenylalanine.
Molecular consequence: missense variant. On other transcripts: intron variant (2).
Genome position (GRCh38, 1-based): chr15:40,220,637, G>T. VCF-style: chr15-40220637-G-T. GRCh37 (hg19) VCF-style: chr15-40512838-G-T.
Other names: c.-201+2970G>T (NM_001128628.3); c.-118+2970G>T (NM_001128629.3); short protein forms V1011F.
Identifiers: ClinVar variation 2250495 (VCV002250495.3), dbSNP rs1162099722, ClinGen allele CA391689877.

ClinVar aggregate classification (germline): Uncertain significance (1 of 4 stars; one submission).

Conditions:
Inborn genetic diseases. Identifiers: MedGen C0950123, MeSH D030342.

Submission:

Ambry Genetics
Classification: Uncertain significance for Inborn genetic diseases. Last evaluated: 2026-05-22. Review status: criteria provided, single submitter. Criteria: Ambry Variant Classification Scheme 2023. Collection method: clinical testing. Allele origin: germline.
Comment: The p.V1011F variant (also known as c.3031G>T), located in coding exon 23 of the BUB1B gene, results from a G to T substitution at nucleotide position 3031. The valine at codon 1011 is replaced by phenylalanine, an amino acid with highly similar properties. This amino acid position is conserved. In addition, this alteration is predicted to be tolerated by in silico analysis. Based on the available evidence, the clinical significance of this variant remains unclear.